The following is an entry in ClinVar:

ClinVar aggregate classification (germline): Uncertain significance (1 of 4 stars; one submission).

Conditions:
Hypoplastic left heart syndrome. Also called: Hypoplastic left ventricle; Hypoplastic left heart. Identifiers: Orphanet 2248, MedGen C0152101, MONDO:0004933, HP:0004383.

Submission:

Labcorp Genetics (formerly Invitae), Labcorp
Classification: Uncertain significance for Hypoplastic left heart syndrome. Last evaluated: 2021-12-29. Review status: criteria provided, single submitter. Criteria: Invitae Variant Classification Sherloc (09022015). Collection method: clinical testing. Allele origin: germline.
Comment: This variant has not been reported in the literature in individuals affected with HAND1-related conditions. In summary, the available evidence is currently insufficient to determine the role of this variant in disease. Therefore, it has been classified as a Variant of Uncertain Significance. Algorithms developed to predict the effect of missense changes on protein structure and function (SIFT, PolyPhen-2, Align-GVGD) all suggest that this variant is likely to be disruptive. This variant is present in population databases (no rsID available, gnomAD 0.0009%). This sequence change replaces proline, which is neutral and non-polar, with leucine, which is neutral and non-polar, at codon 125 of the HAND1 protein (p.Pro125Leu).

NM_004821.3(HAND1):c.374C>T (p.Pro125Leu)

Gene: HAND1 (heart and neural crest derivatives expressed 1; minus strand). Cytogenetic location: 5q33.2.
Variant type: single nucleotide variant.
Coding change: c.374C>T on transcript NM_004821.3 (MANE Select); coding-DNA position 374, C replaced by T.
Protein change: p.Pro125Leu; replaces proline 125 with leucine.
Molecular consequence: missense variant.
Genome position (GRCh38, 1-based): chr5:154,477,635, G>A on the plus strand (C>T on the coding strand, the complement: HAND1 is on the minus strand). VCF-style: chr5-154477635-G-A. GRCh37 (hg19) VCF-style: chr5-153857195-G-A.
Other names: short protein forms P125L.
Identifiers: ClinVar variation 2197208 (VCV002197208.4), dbSNP rs1405443403, ClinGen allele CA361922393.